The following is an entry in ClinVar:

NM_001190737.2(NFIB):c.571C>G (p.Gln191Glu)

Gene: NFIB (nuclear factor I B; minus strand). Cytogenetic location: 9p23.
Variant type: single nucleotide variant.
Coding change: c.571C>G on transcript NM_001190737.2 (MANE Select); coding-DNA position 571, C replaced by G.
Protein change: p.Gln191Glu; replaces glutamine 191 with glutamic acid.
Molecular consequence: missense variant. On other transcripts: intron variant (1), non-coding transcript variant (4), 5 prime UTR variant (1).
Genome position (GRCh38, 1-based): chr9:14,179,772, G>C on the plus strand (C>G on the coding strand, the complement: NFIB is on the minus strand). VCF-style: chr9-14179772-G-C. GRCh37 (hg19) VCF-style: chr9-14179771-G-C.
Other names: c.563-23879C>G (NM_001369477.1); c.556C>G, p.Gln186Glu (NM_001369474.1); c.346C>G, p.Gln116Glu (NM_001369475.1); c.544C>G, p.Gln182Glu (NM_001369476.1, NM_001369465.1, NM_001369467.1); c.334C>G, p.Gln112Glu (NM_001369478.1, NM_001369470.1); c.34C>G, p.Gln12Glu (NM_001369479.1, NM_001369480.1); c.571C>G, p.Gln191Glu (NM_001429577.1, NM_005596.3, NM_001369471.1 and 2 more transcripts); c.427C>G, p.Gln143Glu (NM_001369469.1); and 4 more; short protein forms Q112E, Q116E, Q12E, Q143E, Q182E, Q186E, Q187E, Q191E.
Identifiers: ClinVar variation 5017931 (VCV005017931.1).

ClinVar aggregate classification (germline): Uncertain significance (1 of 4 stars; one submission).

Submission:

GeneDx
Classification: Uncertain significance. Last evaluated: 2026-03-30. Review status: criteria provided, single submitter. Criteria: GeneDx Variant Classification Process June 2021. Collection method: clinical testing. Allele origin: germline.
Comment: Not observed at significant frequency in large population cohorts (gnomAD); In silico analysis suggests that this missense variant does not alter protein structure/function; Has not been previously published as pathogenic or benign to our knowledge